The following is an entry in ClinVar:

ClinVar aggregate classification (germline): Uncertain significance (1 of 4 stars; one submission).

Submission:

Labcorp Genetics (formerly Invitae), Labcorp
Classification: Uncertain significance. Last evaluated: 2022-08-22. Review status: criteria provided, single submitter. Criteria: Invitae Variant Classification Sherloc (09022015). Collection method: clinical testing. Allele origin: germline.
Comment: This sequence change replaces tryptophan, which is neutral and slightly polar, with leucine, which is neutral and non-polar, at codon 647 of the PNPLA8 protein (p.Trp647Leu). This variant is not present in population databases (gnomAD no frequency). This variant has not been reported in the literature in individuals affected with PNPLA8-related conditions. Algorithms developed to predict the effect of missense changes on protein structure and function are either unavailable or do not agree on the potential impact of this missense change (SIFT: "Deleterious"; PolyPhen-2: "Probably Damaging"; Align-GVGD: "Class C0"). In summary, the available evidence is currently insufficient to determine the role of this variant in disease. Therefore, it has been classified as a Variant of Uncertain Significance.

NM_001256007.3(PNPLA8):c.1940G>T (p.Trp647Leu)

Gene: PNPLA8 (patatin like domain 8, phospholipase A2; minus strand). Cytogenetic location: 7q31.1.
Variant type: single nucleotide variant.
Coding change: c.1940G>T on transcript NM_001256007.3 (MANE Select); coding-DNA position 1940, G replaced by T.
Protein change: p.Trp647Leu; replaces tryptophan 647 with leucine.
Molecular consequence: missense variant.
Genome position (GRCh38, 1-based): chr7:108,479,318, C>A on the plus strand (G>T on the coding strand, the complement: PNPLA8 is on the minus strand). VCF-style: chr7-108479318-C-A. GRCh37 (hg19) VCF-style: chr7-108119762-C-A.
Other names: c.1940G>T, p.Trp647Leu (NM_001256008.3, NM_015723.5); c.1754G>T, p.Trp585Leu (NM_001256009.3); c.1640G>T, p.Trp547Leu (NM_001256010.3, NM_001256011.3); short protein forms W547L, W585L, W647L.
Identifiers: ClinVar variation 1717711 (VCV001717711.5), dbSNP rs2552109837, ClinGen allele CA368892318.
Genomic context (GRCh38, chr7:108,479,318, plus strand): 5'-ACATCACTCTCATAACGTCCAGTGCCCAGGGATACTATGCACTCTAACGGCACATCTGGC[C>A]AAAGACATTTACACTCATGCATAGCTAATGCCGAAGGGTTATTCAGAAGCAAACCTCCAT-3'
Protein context (NP_001242936.1, residues 637-657): ALAMHECKCL[Trp647Leu]PDVPLECIVS